The following is an entry in ClinVar:

NM_021954.4(GJA3):c.1013C>T (p.Pro338Leu)

Gene: GJA3 (gap junction protein alpha 3; minus strand). Cytogenetic location: 13q12.11.
Variant type: single nucleotide variant.
Coding change: c.1013C>T on transcript NM_021954.4 (MANE Select); coding-DNA position 1013, C replaced by T.
Protein change: p.Pro338Leu; replaces proline 338 with leucine.
Molecular consequence: missense variant.
Genome position (GRCh38, 1-based): chr13:20,142,276, G>A on the plus strand (C>T on the coding strand, the complement: GJA3 is on the minus strand). VCF-style: chr13-20142276-G-A. GRCh37 (hg19) VCF-style: chr13-20716415-G-A.
Other names: short protein forms P338L.
Identifiers: ClinVar variation 311337 (VCV000311337.13), dbSNP rs766975987, ClinGen allele CA6904004.
Genomic context (GRCh38, chr13:20,142,276, plus strand): 5'-CTGCTGCCGACGGGGCTGGGGGCTGCAGGCGTGGACGCTGCCGGGTAAGCCTTGAGCGCC[G>A]GGGGCTGCCGCTCGGCCGCCTGGTTGGCCCAGTTCTGCTCAGTCATCAGCAGGTGGTGGT-3'
Protein context (NP_068773.2, residues 328-348): WANQAAERQP[Pro338Leu]ALKAYPAAST

ClinVar aggregate classification (germline): Uncertain significance. Review status: criteria provided, multiple submitters, no conflicts (2 of 4 stars). 2 submissions from 2 submitters: Uncertain significance (2). Last evaluated 2018-07-23.

Conditions:
Cataract 14 multiple types. Also called: CATARACT 14, ZONULAR PULVERULENT; CATARACT 14, NUCLEAR PULVERULENT; CATARACT 14, NUCLEAR PULVERULENT AND POSTERIOR POLAR; CATARACT 14, NUCLEAR CORALLIFORM; CATARACT 14, EMBRYONAL NUCLEAR; CATARACT 14, COPPOCK-LIKE. Identifiers: Orphanet 91492, MedGen C1866078, MONDO:0011162, OMIM 601885.

Allele frequency attached by ClinVar (database versions not stated): ExAC below 0.00001; gnomAD 0.00006.
gnomAD v4.1: 9 of 1,564,558 alleles (0.00058%); highest among the groups gnomAD compares: Non-Finnish European, 0.00078%; no homozygotes.

Submissions (2):

Labcorp Genetics (formerly Invitae), Labcorp
Classification: Uncertain significance for Cataract 14 multiple types. Last evaluated: 2018-07-23. Review status: criteria provided, single submitter. Criteria: Invitae Variant Classification Sherloc (09022015). Collection method: clinical testing. Allele origin: germline.
Comment: This sequence change replaces proline with leucine at codon 338 of the GJA3 protein (p.Pro338Leu). The proline residue is weakly conserved and there is a moderate physicochemical difference between proline and leucine. The frequency data for this variant in the population databases is considered unreliable, as metrics indicate poor data quality at this position in the ExAC database. This variant has not been reported in the literature in individuals with GJA3-related disease. ClinVar contains an entry for this variant (Variation ID: 311337). Algorithms developed to predict the effect of missense changes on protein structure and function output the following: SIFT: "Tolerated"; PolyPhen-2: "Benign"; Align-GVGD: "Class C0". The leucine amino acid residue is found in multiple mammalian species, suggesting that this missense change does not adversely affect protein function. These predictions have not been confirmed by published functional studies and their clinical significance is uncertain. In summary, the available evidence is currently insufficient to determine the role of this variant in disease. Therefore, it has been classified as a Variant of Uncertain Significance.

Illumina Laboratory Services, Illumina
Classification: Uncertain significance for Cataract 14 multiple types. Last evaluated: 2018-01-13. Review status: criteria provided, single submitter. Criteria: ICSL Variant Classification Criteria 13 December 2019. Collection method: clinical testing. Allele origin: germline.